The following is an entry in ClinVar:

ClinVar aggregate classification (germline): Benign/Likely benign. Review status: criteria provided, multiple submitters, no conflicts (2 of 4 stars). 5 submissions from 5 submitters: Benign (3); Likely benign (2). Last evaluated 2026-02-02.

Conditions:
Usher syndrome type 2D. Also called: USHER SYNDROME, TYPE IID. Identifiers: Orphanet 231178, Orphanet 886, MedGen C1568249, MONDO:0012662, OMIM 611383.
Autosomal recessive nonsyndromic hearing loss 31. Also called: WHIRLER, MOUSE, HOMOLOG OF. Identifiers: Orphanet 90636, MedGen C1846839, MONDO:0011767, OMIM 607084.

Allele frequency attached by ClinVar (database versions not stated): 1000 Genomes Project 30x 0.00078; 1000 Genomes Project 0.00080; ESP Exome Variant Server 0.00377; TOPMed 0.00409; gnomAD 0.00456; ExAC 0.00480; gnomAD exomes 0.00589.
gnomAD v4.1: 9,223 of 1,611,748 alleles (0.57%); highest among the groups gnomAD compares: Non-Finnish European, 0.66%; 37 homozygotes.

Submissions (5):

Labcorp Genetics (formerly Invitae), Labcorp
Classification: Benign. Last evaluated: 2026-02-02. Review status: criteria provided, single submitter. Criteria: Invitae Variant Classification Sherloc (09022015). Collection method: clinical testing. Allele origin: germline.

Fulgent Genetics
Classification: Likely benign for Autosomal recessive nonsyndromic hearing loss 31; Usher syndrome type 2D. Last evaluated: 2022-01-07. Review status: criteria provided, single submitter. Criteria: ACMG Guidelines, 2015. Collection method: clinical testing. Allele origin: unknown.

ARUP Laboratories, Molecular Genetics and Genomics, ARUP Laboratories
Classification: Benign. Last evaluated: 2021-09-08. Review status: criteria provided, single submitter. Criteria: ARUP Molecular Germline Variant Investigation Process 2021. Collection method: clinical testing. Allele origin: germline.

GeneDx
Classification: Benign. Last evaluated: 2013-03-19. Review status: criteria provided, single submitter. Criteria: GeneDx Variant Classification (06012015). Collection method: clinical testing. Allele origin: germline. Affected: yes.
Comment: This variant is considered likely benign or benign based on one or more of the following criteria: it is a conservative change, it occurs at a poorly conserved position in the protein, it is predicted to be benign by multiple in silico algorithms, and/or has population frequency not consistent with disease.

PreventionGenetics, part of Exact Sciences
Classification: Likely benign. Review status: criteria provided, single submitter. Criteria: ACMG Guidelines, 2015. Collection method: clinical testing. Allele origin: germline.

NM_015404.4(WHRN):c.1166+18G>A

Gene: WHRN (whirlin; minus strand). Cytogenetic location: 9q32.
Variant type: single nucleotide variant.
Coding change: c.1166+18G>A on transcript NM_015404.4 (MANE Select); 18 bases into the intron after coding-DNA position 1166, G replaced by A.
Molecular consequence: intron variant.
Genome position (GRCh38, 1-based): chr9:114,426,193, C>T on the plus strand (G>A on the coding strand, the complement: WHRN is on the minus strand). VCF-style: chr9-114426193-C-T. GRCh37 (hg19) VCF-style: chr9-117188473-C-T.
Other names: c.1166+18G>A (NM_001173425.2); c.17+18G>A (NM_001083885.3).
Identifiers: ClinVar variation 137079 (VCV000137079.19), dbSNP rs149202009, ClinGen allele CA290581.